The following is an entry in ClinVar:

NM_000548.5(TSC2):c.5334A>G (p.Ala1778=)

Gene: TSC2 (TSC complex subunit 2; plus strand). Cytogenetic location: 16p13.3.
Variant type: single nucleotide variant.
Coding change: c.5334A>G on transcript NM_000548.5 (MANE Select); coding-DNA position 5334, A replaced by G.
Protein change: p.Ala1778=; no amino-acid change (alanine 1778 retained).
Molecular consequence: synonymous variant.
Genome position (GRCh38, 1-based): chr16:2,088,520, A>G. VCF-style: chr16-2088520-A-G. GRCh37 (hg19) VCF-style: chr16-2138521-A-G.
Other names: c.5133A>G, p.Ala1711= (NM_001077183.3); c.5265A>G, p.Ala1755= (NM_001114382.3); c.5025A>G, p.Ala1675= (NM_001318827.2); c.4989A>G, p.Ala1663= (NM_001318829.2); c.4602A>G, p.Ala1534= (NM_001318831.2); c.5166A>G, p.Ala1722= (NM_001318832.2); c.5136A>G, p.Ala1712= (NM_001363528.2); c.5202A>G, p.Ala1734= (NM_001370404.1); and 3 more.
Identifiers: ClinVar variation 468160 (VCV000468160.25), dbSNP rs371580877, ClinGen allele CA055142.

ClinVar aggregate classification (germline): Benign/Likely benign. Review status: criteria provided, multiple submitters, no conflicts (2 of 4 stars). 10 submissions from 10 submitters: Benign (3); Likely benign (6). 1 of the submissions does not count toward it. Last evaluated 2026-02-01.

Conditions:
TSC2-related disorder. Also called: TSC2-related condition; TSC2-Related Disorders.
Hereditary cancer-predisposing syndrome. Also called: Hereditary neoplastic syndrome; Neoplastic Syndromes, Hereditary; Tumor predisposition; Hereditary Cancer Syndrome. Identifiers: Orphanet 140162, MedGen C0027672, MeSH D009386, MONDO:0015356.
Tuberous sclerosis 2 (TSC2). Identifiers: Orphanet 805, MedGen C1860707, MONDO:0013199, OMIM 613254.
Tuberous sclerosis syndrome (TSC). Also called: Tuberous Sclerosis Complex; Tuberous sclerosis. Identifiers: Orphanet 805, MedGen C0041341, MONDO:0001734.

Allele frequency attached by ClinVar (database versions not stated): TOPMed 0.00006; gnomAD 0.00007; ESP Exome Variant Server 0.00008; gnomAD exomes 0.00008; ExAC 0.00003.
gnomAD v4.1: 118 of 1,612,582 alleles (0.0073%); highest among the groups gnomAD compares: Non-Finnish European, 0.0097%; no homozygotes.

Submissions (10):

Labcorp Genetics (formerly Invitae), Labcorp
Classification: Benign for Tuberous sclerosis 2. Last evaluated: 2026-02-01. Review status: criteria provided, single submitter. Criteria: Invitae Variant Classification Sherloc (09022015). Collection method: clinical testing. Allele origin: germline.

Women's Health and Genetics/Laboratory Corporation of America, LabCorp
Classification: Likely benign. Last evaluated: 2025-12-11. Review status: criteria provided, single submitter. Criteria: LabCorp Variant Classification Summary - May 2015. Collection method: clinical testing. Allele origin: germline.

Myriad Genetics, Inc.
Classification: Benign for Tuberous sclerosis 2. Last evaluated: 2025-06-09. Review status: criteria provided, single submitter. Criteria: Myriad Autosomal Dominant, Autosomal Recessive and X-Linked Classification Criteria (2023). Collection method: clinical testing. Allele origin: unknown.
Comment: This variant is considered benign. This variant is a silent/synonymous amino acid change and it is not expected to impact splicing.

All of Us Research Program, National Institutes of Health
Classification: Likely benign for Tuberous sclerosis syndrome. Last evaluated: 2023-12-13. Review status: criteria provided, single submitter. Criteria: ACMG Guidelines, 2015. Collection method: clinical testing. Allele origin: germline. Inheritance: Autosomal dominant inheritance. Observed: 14 variant alleles, 14 heterozygotes.
Comment: This study involves interpretation of variants in research participants for the purpose of population health screening. Participant phenotype was not available at the time of variant classification. Additional details can be found in publication PMID: 35346344, PMCID: PMC8962531

Color Diagnostics, LLC DBA Color Health
Classification: Likely benign for Tuberous sclerosis syndrome. Last evaluated: 2022-11-06. Review status: criteria provided, single submitter. Criteria: ACMG Guidelines, 2015. Collection method: clinical testing. Allele origin: germline.

Genome-Nilou Lab
Classification: Benign for Tuberous sclerosis 2. Last evaluated: 2021-11-07. Review status: criteria provided, single submitter. Criteria: ACMG Guidelines, 2015. Collection method: clinical testing. Allele origin: germline. Affected: no.

GeneDx
Classification: Likely benign. Last evaluated: 2021-02-01. Review status: criteria provided, single submitter. Criteria: GeneDx Variant Classification Process June 2021. Collection method: clinical testing. Allele origin: germline. Affected: yes.

Sema4
Classification: Likely benign for Hereditary cancer-predisposing syndrome. Last evaluated: 2021-01-26. Review status: criteria provided, single submitter. Criteria: Sema4 Curation Guidelines. Collection method: curation. Allele origin: germline.

Ambry Genetics
Classification: Likely benign for Hereditary cancer-predisposing syndrome. Last evaluated: 2015-08-27. Review status: criteria provided, single submitter. Criteria: Ambry Variant Classification Scheme 2023. Collection method: clinical testing. Allele origin: germline.

PreventionGenetics, part of Exact Sciences
Classification: Likely benign for TSC2-related condition. Last evaluated: 2022-07-13. Review status: no assertion criteria provided. Collection method: clinical testing. Allele origin: germline. Not counted in ClinVar's aggregate classification.
Comment: This variant is classified as likely benign based on ACMG/AMP sequence variant interpretation guidelines (Richards et al. 2015 PMID: 25741868, with internal and published modifications).